The following is an entry in ClinVar:

ClinVar aggregate classification (germline): Likely pathogenic. Review status: criteria provided, multiple submitters, no conflicts (2 of 4 stars). 2 submissions from 2 submitters: Likely pathogenic (2). Last evaluated 2025-05-12.

Conditions:
Osteogenesis imperfecta with normal sclerae, dominant form (OI4). Also called: Osteogenesis imperfecta type 4; OSTEOGENESIS IMPERFECTA, TYPE IV, WITH DENTINOGENESIS IMPERFECTA; Common Variable Osteogenesis Imperfecta with Normal Sclerae; OSTEOGENESIS IMPERFECTA WITH NORMAL SCLERAE; Osteogenesis Imperfecta Type IV. Identifiers: Orphanet 216820, Orphanet 666, MedGen C0268363, MONDO:0008148, OMIM 166220.

Submissions (2):

Clinical Biomedical Laboratory, Shriners Hospital For Children - Canada
Classification: Likely pathogenic for Osteogenesis imperfecta with normal sclerae, dominant form. Last evaluated: 2025-05-12. Review status: criteria provided, single submitter. Criteria: ACMG Guidelines, 2015. Collection method: clinical testing. Allele origin: germline. Affected: yes.
Comment: This variant is predicted to substitute a glycine residue by a serine residue in the alpha 1 chain of collagen type I. This variant is absent from the Genome Aggregation Database (v2.1.1). Glycine substitutions in the triple helical domain of collagen type I cause disruption in the formation of the triple helix in the collagen molecule and are a typical cause of osteogenesis imperfecta (PMID 27509835).

Division of Genomic Medicine, Department of Advanced Medicine, Medical Research Institute, Kanazawa Medical University
Classification: Likely pathogenic for Osteogenesis imperfecta with normal sclerae, dominant form. Last evaluated: 2023-10-20. Review status: criteria provided, single submitter. Criteria: ACMG Guidelines, 2015. Collection method: clinical testing. Allele origin: germline. Affected: yes. Observed: 1 variant allele.
Comment: This missense variant p.Gly1001Ser is absent from controls (PM2), different missense chamge of the same amino acid residue p.Gly1001Cys has been reported as pathogenic (PM5), multiple lines of computational evidence support a deleterious effect (PP3), and the patient’s phenotype is highly specific for a disease (PP4). This variant is judged to be likely pathogenic according to ACMG Guidelines, 2015.

Literature cited by the submitters: PubMed 27509835 (cited by Clinical Biomedical Laboratory, Shriners Hospital For Children - Canada).

NM_000088.4(COL1A1):c.3001G>A (p.Gly1001Ser)

Gene: COL1A1 (collagen type I alpha 1 chain; minus strand). Cytogenetic location: 17q21.33.
Variant type: single nucleotide variant.
Coding change: c.3001G>A on transcript NM_000088.4 (MANE Select); coding-DNA position 3001, G replaced by A.
Protein change: p.Gly1001Ser; replaces glycine 1001 with serine.
Molecular consequence: missense variant.
Genome position (GRCh38, 1-based): chr17:50,188,947, C>T on the plus strand (G>A on the coding strand, the complement: COL1A1 is on the minus strand). VCF-style: chr17-50188947-C-T. GRCh37 (hg19) VCF-style: chr17-48266308-C-T.
Other names: short protein forms G1001S.
Identifiers: ClinVar variation 2626748 (VCV002626748.2), dbSNP rs72653167, ClinGen allele CA400203901.